The following is an entry in ClinVar:

NM_000138.5(FBN1):c.1471del (p.Val491fs)

Gene: FBN1 (fibrillin 1; minus strand). Cytogenetic location: 15q21.1.
Variant type: Deletion.
Coding change: c.1471del on transcript NM_000138.5 (MANE Select); coding-DNA position 1471, one base deleted (G; older notation c.1471delG).
Protein change: p.Val491fs; shifts the reading frame from valine 491.
Molecular consequence: frameshift variant.
Genome position (GRCh38, 1-based): chr15:48,513,666, C deleted on the plus strand (G on the coding strand, the reverse complement: FBN1 is on the minus strand). VCF-style (leftmost placement, unchanged base first): chr15-48513665-AC-A. GRCh37 (hg19) VCF-style: chr15-48805862-AC-A.
Other names: c.1471del, p.Val491fs (NM_001406716.1); short protein forms V491fs.
Identifiers: ClinVar variation 3758870 (VCV003758870.2).

ClinVar aggregate classification (germline): Pathogenic (1 of 4 stars; one submission).

Conditions:
Marfan syndrome (MFS). Also called: MARFAN SYNDROME, TYPE I; Marfan syndrome type 1; Marfan's syndrome; Marfan syndrome, classic; FBN1-Related Marfan Syndrome. Identifiers: Orphanet 284963, Orphanet 558, MedGen C0024796, MONDO:0007947, OMIM 154700.
Familial thoracic aortic aneurysm and aortic dissection (TAAD). Also called: Thoracic aortic aneurysms and dissections. Identifiers: Orphanet 91387, MedGen C4707243, MONDO:0019625.

Submission:

Labcorp Genetics (formerly Invitae), Labcorp
Classification: Pathogenic for Marfan syndrome; Familial thoracic aortic aneurysm and aortic dissection. Last evaluated: 2025-03-06. Review status: criteria provided, single submitter. Criteria: Invitae Variant Classification Sherloc (09022015). Collection method: clinical testing. Allele origin: germline.
Comment: This sequence change creates a premature translational stop signal (p.Val491Leufs*88) in the FBN1 gene. It is expected to result in an absent or disrupted protein product. Loss-of-function variants in FBN1 are known to be pathogenic (PMID: 17657824, 19293843). This variant is not present in population databases (gnomAD no frequency). This variant has not been reported in the literature in individuals affected with FBN1-related conditions. For these reasons, this variant has been classified as Pathogenic.

Literature cited by the submitters: PubMed 17657824; PubMed 19293843.